The following is an entry in ClinVar:

ClinVar aggregate classification (germline): Uncertain significance (1 of 4 stars; one submission).

Conditions:
Neurofibromatosis, type 1 (NF1). Also called: Peripheral type neurofibromatosis; VON RECKLINGHAUSEN DISEASE; NEUROFIBROMATOSIS, TYPE I, SOMATIC; Neurofibromatosis, type I. Identifiers: Orphanet 636, MedGen C0027831, MONDO:0018975, OMIM 162200. Disease mechanism: loss of function.

Submission:

Labcorp Genetics (formerly Invitae), Labcorp
Classification: Uncertain significance for Neurofibromatosis, type 1. Last evaluated: 2022-08-28. Review status: criteria provided, single submitter. Criteria: Invitae Variant Classification Sherloc (09022015). Collection method: clinical testing. Allele origin: germline.
Comment: In summary, the available evidence is currently insufficient to determine the role of this variant in disease. Therefore, it has been classified as a Variant of Uncertain Significance. Advanced modeling of protein sequence and biophysical properties (such as structural, functional, and spatial information, amino acid conservation, physicochemical variation, residue mobility, and thermodynamic stability) performed at Invitae indicates that this missense variant is expected to disrupt NF1 protein function. This variant has not been reported in the literature in individuals affected with NF1-related conditions. This variant is not present in population databases (gnomAD no frequency). This sequence change replaces lysine, which is basic and polar, with glutamic acid, which is acidic and polar, at codon 2593 of the NF1 protein (p.Lys2593Glu).

NM_001042492.3(NF1):c.7840A>G (p.Lys2614Glu)

Gene: NF1 (neurofibromin 1; plus strand). Cytogenetic location: 17q11.2.
Variant type: single nucleotide variant.
Coding change: c.7840A>G on transcript NM_001042492.3 (MANE Select); coding-DNA position 7840, A replaced by G.
Protein change: p.Lys2614Glu; replaces lysine 2614 with glutamic acid.
Molecular consequence: missense variant.
Genome position (GRCh38, 1-based): chr17:31,357,061, A>G. VCF-style: chr17-31357061-A-G. GRCh37 (hg19) VCF-style: chr17-29684079-A-G.
Other names: c.7777A>G, p.Lys2593Glu (NM_000267.4); short protein forms K2593E, K2614E.
Identifiers: ClinVar variation 1718249 (VCV001718249.5), dbSNP rs2508827876, ClinGen allele CA399018632.